The following is an entry in ClinVar:

ClinVar aggregate classification (germline): Uncertain significance. Review status: criteria provided, multiple submitters, no conflicts (2 of 4 stars). 2 submissions from 2 submitters: Uncertain significance (2). Last evaluated 2023-10-16.

Conditions:
Neurodevelopmental disorder with microcephaly, seizures, and cortical atrophy. Identifiers: MedGen C4540493, MONDO:0060621, OMIM 617802.
Inborn genetic diseases. Identifiers: MedGen C0950123, MeSH D030342.

Allele frequency attached by ClinVar (database versions not stated): TOPMed below 0.00001; ExAC 0.00001; gnomAD exomes 0.00001; ESP Exome Variant Server 0.00013.
gnomAD v4.1: 11 of 1,473,162 alleles (0.00075%); highest among the groups gnomAD compares: Non-Finnish European, 0.00099%; no homozygotes.

Submissions (2):

Ambry Genetics
Classification: Uncertain significance for Inborn genetic diseases. Last evaluated: 2023-10-16. Review status: criteria provided, single submitter. Criteria: Ambry Variant Classification Scheme 2023. Collection method: clinical testing. Allele origin: germline.

Baylor Genetics
Classification: Uncertain significance for Neurodevelopmental disorder with microcephaly, seizures, and cortical atrophy. Last evaluated: 2018-12-23. Review status: criteria provided, single submitter. Criteria: ACMG Guidelines, 2015. Collection method: clinical testing. Allele origin: unknown. Affected: yes.
Comment: This variant was determined to be of uncertain significance according to ACMG Guidelines, 2015 [PMID:25741868].

NM_006295.3(VARS1):c.32A>C (p.Asp11Ala)

Gene: VARS1 (valyl-tRNA synthetase 1; minus strand). Cytogenetic location: 6p21.33.
Variant type: single nucleotide variant.
Coding change: c.32A>C on transcript NM_006295.3 (MANE Select); coding-DNA position 32, A replaced by C.
Protein change: p.Asp11Ala; replaces aspartic acid 11 with alanine.
Molecular consequence: missense variant.
Genome position (GRCh38, 1-based): chr6:31,795,186, T>G on the plus strand (A>C on the coding strand, the complement: VARS1 is on the minus strand). VCF-style: chr6-31795186-T-G. GRCh37 (hg19) VCF-style: chr6-31762963-T-G.
Other names: short protein forms D11A.
Identifiers: ClinVar variation 1031624 (VCV001031624.2), dbSNP rs146870893, ClinGen allele CA3723653.
Genomic context (GRCh38, chr6:31,795,186, plus strand): 5'-GGACCCTCCCCAGCCTCCCCATAGCGAGCGGCTATGAGGGCTCGGAGGCTGGGGAAGGCA[T>G]CTGGGTGAGGGGAGACGTAGAGGGTGGACATAGTTATGAGAAGGTCCGAACGAAGTGGAA-3'
Protein context (NP_006286.1, residues 1-21): MSTLYVSPHP[Asp11Ala]AFPSLRALIA